The following is an entry in ClinVar:

NM_052947.4(ALPK2):c.612T>A (p.Asp204Glu)

Gene: ALPK2 (alpha kinase 2; minus strand). Cytogenetic location: 18q21.31.
Variant type: single nucleotide variant.
Coding change: c.612T>A on transcript NM_052947.4 (MANE Select); coding-DNA position 612, T replaced by A.
Protein change: p.Asp204Glu; replaces aspartic acid 204 with glutamic acid.
Molecular consequence: missense variant.
Genome position (GRCh38, 1-based): chr18:58,580,164, A>T on the plus strand (T>A on the coding strand, the complement: ALPK2 is on the minus strand). VCF-style: chr18-58580164-A-T. GRCh37 (hg19) VCF-style: chr18-56247396-A-T.
Other names: short protein forms D204E.
Identifiers: ClinVar variation 3290358 (VCV003290358.1).

ClinVar aggregate classification (germline): Uncertain significance (1 of 4 stars; one submission).

gnomAD v4.1: 1 of 1,614,184 alleles (0.000062%); highest among the groups gnomAD compares: Non-Finnish European, 0.000085%; no homozygotes.

Submission:

Ambry Genetics
Classification: Uncertain significance. Last evaluated: 2024-05-11. Review status: criteria provided, single submitter. Criteria: Ambry Variant Classification Scheme 2023. Collection method: clinical testing. Allele origin: germline.
Comment: The p.D204E variant (also known as c.612T>A), located in coding exon 3 of the ALPK2 gene, results from a T to A substitution at nucleotide position 612. The aspartic acid at codon 204 is replaced by glutamic acid, an amino acid with highly similar properties. This amino acid position is conserved. In addition, this alteration is predicted to be tolerated by in silico analysis. Based on the available evidence, the clinical significance of this variant remains unclear.